The following is an entry in ClinVar:

NM_001001557.4(GDF6):c.923_928dup (p.306GA[3])

Gene: GDF6 (growth differentiation factor 6; minus strand). Cytogenetic location: 8q22.1.
Variant type: Duplication.
Coding change: c.923_928dup on transcript NM_001001557.4 (MANE Select); coding-DNA positions 923 to 928, 6 bases duplicated (GCGCCG; older notation c.923_928dupGCGCCG).
Protein change: p.306GA[3].
Molecular consequence: inframe insertion.
Genome position (GRCh38, 1-based): chr8:96,145,003-96,145,008, CGGCGC duplicated on the plus strand (GCGCCG on the coding strand, the reverse complement: GDF6 is on the minus strand); duplicating any 6 consecutive bases within chr8:96,145,003-96,145,009 gives the same sequence; the c. name uses the placement nearest the transcript's 3' end. VCF-style (leftmost placement, unchanged base first): chr8-96145002-T-TCGGCGC. GRCh37 (hg19) VCF-style: chr8-97157230-T-TCGGCGC.
Other names: c.923_928dupGCGCCG (NM_001001557.4).
Identifiers: ClinVar variation 1400072 (VCV001400072.7), dbSNP rs1224736770, ClinGen allele CA583845608.

ClinVar aggregate classification (germline): Conflicting classifications of pathogenicity. Review status: criteria provided, conflicting classifications (1 of 4 stars). 2 submissions from 2 submitters: Uncertain significance (1); Likely benign (1). Last evaluated 2025-11-23.

Conditions:
Isolated microphthalmia 4. Identifiers: Orphanet 2542, MedGen C2751307, MONDO:0013130, OMIM 613094.
Microphthalmia, isolated, with coloboma 6 (MCOPCB6). Also called: Microphthalmia with coloboma 6, digenic; Microphthalmia with coloboma 6; MICROPHTHALMIA/COLOBOMA 6. Identifiers: Orphanet 98938, MedGen C3150968, MONDO:0013376, OMIM 613703.
Leber congenital amaurosis 17 (LCA17). Identifiers: Orphanet 65, MedGen C3715164, MONDO:0014145, OMIM 615360.
Klippel-Feil syndrome 1, autosomal dominant (KFS1). Also called: CERVICAL VERTEBRAL FUSION, AUTOSOMAL DOMINANT. Identifiers: Orphanet 2345, MedGen C1861689, MONDO:0007306, OMIM 118100.

Submissions (2):

Labcorp Genetics (formerly Invitae), Labcorp
Classification: Likely benign for Isolated microphthalmia 4; Leber congenital amaurosis 17; Klippel-Feil syndrome 1, autosomal dominant; Microphthalmia, isolated, with coloboma 6. Last evaluated: 2025-11-23. Review status: criteria provided, single submitter. Criteria: Invitae Variant Classification Sherloc (09022015). Collection method: clinical testing. Allele origin: germline.

Women's Health and Genetics/Laboratory Corporation of America, LabCorp
Classification: Uncertain significance. Last evaluated: 2024-10-08. Review status: criteria provided, single submitter. Criteria: LabCorp Variant Classification Summary - May 2015. Collection method: clinical testing. Allele origin: germline.
Comment: Variant summary: GDF6 c.923_928dupGCGCCG (p.Gly308_Ala309dup) results in an in-frame duplication that is predicted to duplicate two amino acids into the encoded protein. The variant was absent in 66612 control chromosomes (gnomAD). The available data on variant occurrences in the general population are insufficient to allow any conclusion about variant significance. To our knowledge, no occurrence of c.923_928dupGCGCCG in individuals affected with GDF6-Related Disorders and no experimental evidence demonstrating its impact on protein function have been reported. ClinVar contains an entry for this variant (Variation ID: 1400072). Based on the evidence outlined above, the variant was classified as uncertain significance.